The following is an entry in ClinVar:

NM_006648.4(WNK2):c.5395G>A (p.Val1799Ile)

Gene: WNK2 (WNK lysine deficient protein kinase 2; plus strand). Cytogenetic location: 9q22.31.
Variant type: single nucleotide variant.
Coding change: c.5395G>A on transcript NM_006648.4 (MANE Select); coding-DNA position 5395, G replaced by A.
Protein change: p.Val1799Ile; replaces valine 1799 with isoleucine.
Molecular consequence: missense variant.
Genome position (GRCh38, 1-based): chr9:93,292,860, G>A. VCF-style: chr9-93292860-G-A. GRCh37 (hg19) VCF-style: chr9-96055142-G-A.
Other names: c.5506G>A, p.Val1836Ile (NM_001282394.3); short protein forms V1799I, V1836I.
Identifiers: ClinVar variation 3982027 (VCV003982027.1).
Genomic context (GRCh38, chr9:93,292,860, plus strand): 5'-CCCTCCAGCCCCGACGTGAAGCTGGCAGTGCGGCGGGCGCAGACGGCCTCCTCCATCGAG[G>A]TCGGCGTGGGCGAGCCCGTGTCCAGCGACTCTGGGGACGAGGGCCCTCGGGCGAGACCCC-3'
Protein context (NP_006639.3, residues 1789-1809): RRAQTASSIE[Val1799Ile]GVGEPVSSDS

ClinVar aggregate classification (germline): Uncertain significance (1 of 4 stars; one submission).

Submission:

Ambry Genetics
Classification: Uncertain significance. Last evaluated: 2025-05-11. Review status: criteria provided, single submitter. Criteria: Ambry Variant Classification Scheme 2023. Collection method: clinical testing. Allele origin: germline.
Comment: The p.V1799I variant (also known as c.5395G>A), located in coding exon 22 of the WNK2 gene, results from a G to A substitution at nucleotide position 5395. The valine at codon 1799 is replaced by isoleucine, an amino acid with highly similar properties. This amino acid position is conserved. In addition, this alteration is predicted to be tolerated by in silico analysis. Based on the available evidence, the clinical significance of this variant remains unclear.